The following is an entry in ClinVar:

ClinVar aggregate classification (germline): Uncertain significance (1 of 4 stars; one submission).

Conditions:
Neuronal ceroid lipofuscinosis. Also called: Neuronal Ceroid Lipofuscinoses. Identifiers: Orphanet 216, Orphanet 79263, MedGen C0027877, MONDO:0016295. Disease mechanism: loss of function.

Allele frequency attached by ClinVar (database versions not stated): gnomAD exomes below 0.00001.

Submission:

Labcorp Genetics (formerly Invitae), Labcorp
Classification: Uncertain significance for Neuronal ceroid lipofuscinosis. Last evaluated: 2021-09-08. Review status: criteria provided, single submitter. Criteria: Invitae Variant Classification Sherloc (09022015). Collection method: clinical testing. Allele origin: germline.
Comment: This sequence change replaces histidine with glutamine at codon 157 of the CLN8 protein (p.His157Gln). The histidine residue is highly conserved and there is a small physicochemical difference between histidine and glutamine. This variant is not present in population databases (ExAC no frequency). This variant has not been reported in the literature in individuals affected with CLN8-related conditions. Algorithms developed to predict the effect of missense changes on protein structure and function are either unavailable or do not agree on the potential impact of this missense change (SIFT: "Deleterious"; PolyPhen-2: "Probably Damaging"; Align-GVGD: "Class C15"). In summary, the available evidence is currently insufficient to determine the role of this variant in disease. Therefore, it has been classified as a Variant of Uncertain Significance.

NM_018941.4(CLN8):c.471C>G (p.His157Gln)

Gene: CLN8 (CLN8 transmembrane ER and ERGIC protein; plus strand). Cytogenetic location: 8p23.3.
Variant type: single nucleotide variant.
Coding change: c.471C>G on transcript NM_018941.4 (MANE Select); coding-DNA position 471, C replaced by G.
Protein change: p.His157Gln; replaces histidine 157 with glutamine.
Molecular consequence: missense variant.
Genome position (GRCh38, 1-based): chr8:1,771,525, C>G. VCF-style: chr8-1771525-C-G. GRCh37 (hg19) VCF-style: chr8-1719691-C-G.
Other names: short protein forms H157Q.
Identifiers: ClinVar variation 644190 (VCV000644190.3), dbSNP rs1585138507, ClinGen allele CA369953633.